The following is an entry in ClinVar:

NM_001875.5(CPS1):c.1263+5G>C

Gene: CPS1 (carbamoyl-phosphate synthase 1; plus strand). Cytogenetic location: 2q34.
Variant type: single nucleotide variant.
Coding change: c.1263+5G>C on transcript NM_001875.5 (MANE Select); 5 bases into the intron after coding-DNA position 1263, G replaced by C.
Molecular consequence: intron variant.
Genome position (GRCh38, 1-based): chr2:210,594,611, G>C. VCF-style: chr2-210594611-G-C. GRCh37 (hg19) VCF-style: chr2-211459335-G-C.
Other names: c.1263+5G>C (LRG_336t1, NM_001369257.1, NM_001122633.3); c.1296+5G>C (NM_001369256.1).
Identifiers: ClinVar variation 556714 (VCV000556714.9), dbSNP rs1275489342, ClinGen allele CA658821292.

ClinVar aggregate classification (germline): Pathogenic/Likely pathogenic. Review status: criteria provided, multiple submitters, no conflicts (2 of 4 stars). 4 submissions from 4 submitters: Pathogenic (1); Likely pathogenic (2). 1 of the submissions does not count toward it. Last evaluated 2024-08-22.

Conditions:
Pulmonary hypertension, neonatal, susceptibility to (PHN). Identifiers: MedGen C3714958, MONDO:0014151, OMIM 615371.
Congenital hyperammonemia, type I. Also called: Carbamoyl-phosphate synthase I deficiency; CPS I DEFICIENCY; Carbamoyl phosphate synthetase I deficiency disease; Carbamoyl phosphate synthetase 1 deficiency; Hyperammonemia due to carbamoyl phosphate synthetase 1 deficiency; CPS 1 deficiency. Identifiers: Orphanet 147, MedGen C4082171, MONDO:0009376, OMIM 237300.

Allele frequency attached by ClinVar (database versions not stated): TOPMed below 0.00001; gnomAD 0.00001.
gnomAD v4.1: 1 of 1,600,608 alleles (0.000062%); highest among the groups gnomAD compares: Non-Finnish European, 0.000086%; no homozygotes.

Submissions (4):

Natera, Inc.
Classification: Likely pathogenic for Carbamoyl-phosphate synthase I deficiency. Last evaluated: 2024-08-22. Review status: criteria provided, single submitter. Criteria: Natera Variant Classification Schema (03/2026). Collection method: clinical testing. Allele origin: germline.
Comment: The c.1263+5G>C variant in CPS1 is an intronic variant located outside the canonical splice sites. This variant is rare in the general population with a frequency below the threshold expected for the associated phenotype(s). This variant has been observed in one or more individuals affected with the associated recessive disease, as either homozygous or compound heterozygous with a second variant (PMID: 22173106, 12655559). Functional studies show that this variant may disrupt protein function (PMID: 12655559). Computational prediction algorithms indicate this variant is likely to affect gene or protein function. Given the available evidence, this variant is classified as Likely Pathogenic.

Baylor Genetics
Classification: Pathogenic for Pulmonary hypertension, neonatal, susceptibility to. Last evaluated: 2024-02-29. Review status: criteria provided, single submitter. Criteria: ACMG Guidelines, 2015. Collection method: clinical testing. Allele origin: unknown.

Labcorp Genetics (formerly Invitae), Labcorp
Classification: Likely pathogenic for Congenital hyperammonemia, type I. Last evaluated: 2023-09-25. Review status: criteria provided, single submitter. Criteria: Invitae Variant Classification Sherloc (09022015). Collection method: clinical testing. Allele origin: germline.
Comment: In summary, the currently available evidence indicates that the variant is pathogenic, but additional data are needed to prove that conclusively. Therefore, this variant has been classified as Likely Pathogenic. This sequence change falls in intron 12 of the CPS1 gene. It does not directly change the encoded amino acid sequence of the CPS1 protein. It affects a nucleotide within the consensus splice site. This variant is not present in population databases (gnomAD no frequency). This variant has been observed in individuals with carbamoyl phosphate synthetase I deficiency (PMID: 15164414, 21120950, 22173106, 28526534). ClinVar contains an entry for this variant (Variation ID: 556714). Variants that disrupt the consensus splice site are a relatively common cause of aberrant splicing (PMID: 17576681, 9536098). Algorithms developed to predict the effect of sequence changes on RNA splicing suggest that this variant may disrupt the consensus splice site.

Counsyl
Classification: Likely pathogenic for Congenital hyperammonemia, type I. Last evaluated: 2018-02-13. Review status: no assertion criteria provided. Collection method: clinical testing. Allele origin: unknown. Not counted in ClinVar's aggregate classification.

Literature cited by the submitters: PubMed 22173106 (cited by 3 submitters); PubMed 12655559 (cited by Natera, Inc. and Counsyl); PubMed 15164414 (cited by Labcorp Genetics (formerly Invitae), Labcorp); PubMed 21120950 (cited by Labcorp Genetics (formerly Invitae), Labcorp); PubMed 28526534 (cited by Labcorp Genetics (formerly Invitae), Labcorp and Counsyl); PubMed 17576681 (cited by Labcorp Genetics (formerly Invitae), Labcorp); PubMed 9536098 (cited by Labcorp Genetics (formerly Invitae), Labcorp).